The following is an entry in ClinVar:

ClinVar aggregate classification (germline): Uncertain significance. Review status: criteria provided, multiple submitters, no conflicts (2 of 4 stars). 2 submissions from 2 submitters: Uncertain significance (2). Last evaluated 2025-10-07.

Conditions:
Epileptic encephalopathy. Identifiers: MedGen C0543888, HP:0200134.

Allele frequency attached by ClinVar (database versions not stated): gnomAD 0.00001; TOPMed 0.00002; gnomAD exomes 0.00004.
gnomAD v4.1: 37 of 1,564,260 alleles (0.0024%); highest among the groups gnomAD compares: Admixed American, 0.013%; no homozygotes.

Submissions (2):

Ambry Genetics
Classification: Uncertain significance. Last evaluated: 2025-10-07. Review status: criteria provided, single submitter. Criteria: Ambry Variant Classification Scheme 2023. Collection method: clinical testing. Allele origin: germline.

Labcorp Genetics (formerly Invitae), Labcorp
Classification: Uncertain significance for Epileptic encephalopathy. Last evaluated: 2023-12-07. Review status: criteria provided, single submitter. Criteria: Invitae Variant Classification Sherloc (09022015). Collection method: clinical testing. Allele origin: germline.
Comment: This sequence change replaces valine, which is neutral and non-polar, with methionine, which is neutral and non-polar, at codon 2304 of the FASN protein (p.Val2304Met). This variant is present in population databases (no rsID available, gnomAD 0.02%). This variant has not been reported in the literature in individuals affected with FASN-related conditions. ClinVar contains an entry for this variant (Variation ID: 1392095). An algorithm developed to predict the effect of missense changes on protein structure and function (PolyPhen-2) suggests that this variant is likely to be disruptive. In summary, the available evidence is currently insufficient to determine the role of this variant in disease. Therefore, it has been classified as a Variant of Uncertain Significance.

NM_004104.5(FASN):c.6910G>A (p.Val2304Met)

Gene: FASN (fatty acid synthase; minus strand). Cytogenetic location: 17q25.3.
Variant type: single nucleotide variant.
Coding change: c.6910G>A on transcript NM_004104.5 (MANE Select); coding-DNA position 6910, G replaced by A.
Protein change: p.Val2304Met; replaces valine 2304 with methionine.
Molecular consequence: missense variant.
Genome position (GRCh38, 1-based): chr17:82,080,507, C>T on the plus strand (G>A on the coding strand, the complement: FASN is on the minus strand). VCF-style: chr17-82080507-C-T. GRCh37 (hg19) VCF-style: chr17-80038383-C-T.
Other names: c.6910G>A (NM_004104.4); short protein forms V2304M.
Identifiers: ClinVar variation 1392095 (VCV001392095.9), dbSNP rs1007673690, ClinGen allele CA295202669.